The following is an entry in ClinVar:

ClinVar aggregate classification (germline): Uncertain significance (1 of 4 stars; one submission).

Conditions:
Arrhythmogenic right ventricular cardiomyopathy (ARVD). Also called: Arrhythmogenic right ventricular dysplasia; Cardiomyopathy, ARVC; Arrhythmogenic cardiomyopathy; Arrhythmogenic Right Ventricular Cardiomyopathy (ARVC). Identifiers: Orphanet 247, MedGen C0349788, MeSH D019571, MONDO:0016587. Disease mechanism: loss of function. Inheritance: Various modes of inheritance.

gnomAD v4.1: 2 of 1,262,310 alleles (0.00016%); highest among the groups gnomAD compares: East Asian, 0.0031%; no homozygotes.

Submission:

All of Us Research Program, National Institutes of Health
Classification: Uncertain significance for Arrhythmogenic right ventricular cardiomyopathy. Last evaluated: 2024-02-22. Review status: criteria provided, single submitter. Criteria: ACMG Guidelines, 2015. Collection method: clinical testing. Allele origin: germline. Inheritance: Autosomal dominant inheritance. Observed: 1 variant allele, 1 heterozygote.
Comment: This missense variant replaces serine with isoleucine at codon 4 of the DSG2 protein. Computational prediction suggests that this variant may not impact protein structure and function (internally defined REVEL score threshold <= 0.5, PMID: 27666373). To our knowledge, functional studies have not been reported for this variant. This variant has not been reported in individuals affected with DSG2-related disorders in the literature. This variant has not been identified in the general population by the Genome Aggregation Database (gnomAD). The available evidence is insufficient to determine the role of this variant in disease conclusively. Therefore, this variant is classified as a Variant of Uncertain Significance.

This study involves interpretation of variants in research participants for the purpose of population health screening. Participant phenotype was not available at the time of variant classification. Additional details can be found in publication PMID: 35346344, PMCID: PMC8962531

NM_001943.5(DSG2):c.11G>T (p.Ser4Ile)

Genes: DSG2 (desmoglein 2; plus strand), LOC130062340 (ATAC-STARR-seq lymphoblastoid silent region 9384; plus strand). Cytogenetic location: 18q12.1.
Variant type: single nucleotide variant.
Coding change: c.11G>T on transcript NM_001943.5 (MANE Select); coding-DNA position 11, G replaced by T.
Protein change: p.Ser4Ile; replaces serine 4 with isoleucine.
Molecular consequence: missense variant.
Genome position (GRCh38, 1-based): chr18:31,498,262, G>T. VCF-style: chr18-31498262-G-T. GRCh37 (hg19) VCF-style: chr18-29078225-G-T.
Other names: short protein forms S4I.
Identifiers: ClinVar variation 3386565 (VCV003386565.1).
Genomic context (GRCh38, chr18:31,498,262, plus strand): 5'-AGGCGGCGGCGCGGAGCGGTGCGGCGGCGGGAGGCGGAGGCGAGGGTGCGATGGCGCGGA[G>T]CCCGGGACGCGCGTACGCCCTGCTGCTTCTCCTGGTAAGTGCCGCAAGCGGGACAGGGGA-3'
Protein context (NP_001934.2, residues 1-14): MAR[Ser4Ile]PGRAYALLLL